The following is an entry in ClinVar:

ClinVar aggregate classification (germline): Likely benign. Review status: criteria provided, multiple submitters, no conflicts (2 of 4 stars). 2 submissions from 2 submitters: Likely benign (2). Last evaluated 2025-09-28.

Conditions:
RIGI-related disorder. Also called: RIGI-related condition.

Allele frequency attached by ClinVar (database versions not stated): ExAC 0.00008; ESP Exome Variant Server 0.00008; gnomAD exomes 0.00009 and 0.00011; TOPMed 0.00014; 1000 Genomes Project 30x 0.00016; gnomAD 0.00016 and 0.00017; 1000 Genomes Project 0.00020.
gnomAD v4.1: 168 of 1,613,906 alleles (0.01%); highest among the groups gnomAD compares: South Asian, 0.031%; no homozygotes.

Submissions (2):

Labcorp Genetics (formerly Invitae), Labcorp
Classification: Likely benign. Last evaluated: 2025-09-28. Review status: criteria provided, single submitter. Criteria: Invitae Variant Classification Sherloc (09022015). Collection method: clinical testing. Allele origin: germline.

PreventionGenetics, part of Exact Sciences
Classification: Likely benign for RIGI-related condition. Last evaluated: 2025-02-17. Review status: criteria provided, single submitter. Criteria: ACMG Guidelines, 2015. Collection method: clinical testing. Allele origin: germline.
Comment: This variant is classified as likely benign based on ACMG/AMP sequence variant interpretation guidelines (Richards et al. 2015 PMID: 25741868, with internal and published modifications).

NM_014314.4(RIGI):c.1146G>A (p.Pro382=)

Gene: RIGI (RNA sensor RIG-I; minus strand). Cytogenetic location: 9p21.1.
Variant type: single nucleotide variant.
Coding change: c.1146G>A on transcript NM_014314.4 (MANE Select); coding-DNA position 1146, G replaced by A.
Protein change: p.Pro382=; no amino-acid change (proline 382 retained).
Molecular consequence: synonymous variant.
Genome position (GRCh38, 1-based): chr9:32,488,011, C>T on the plus strand (G>A on the coding strand, the complement: RIGI is on the minus strand). VCF-style: chr9-32488011-C-T. GRCh37 (hg19) VCF-style: chr9-32488009-C-T.
Other names: c.1140G>A, p.Pro380= (NM_001385907.1); c.1146G>A, p.Pro382= (NM_001385909.1); c.705G>A, p.Pro235= (NM_001385910.1); c.537G>A, p.Pro179= (NM_001385912.1); c.1131G>A, p.Pro377= (NM_001385913.1); c.702G>A, p.Pro234= (NM_001385914.1); c.1146G>A (NM_014314.3).
Identifiers: ClinVar variation 1574662 (VCV001574662.9), dbSNP rs151092988, ClinGen allele CA5019906.